The following is an entry in ClinVar:

ClinVar aggregate classification (germline): Likely benign (1 of 4 stars; one submission).

Allele frequency attached by ClinVar (database versions not stated): ExAC 0.00001; gnomAD 0.00002; gnomAD exomes 0.00002; TOPMed 0.00002; ESP Exome Variant Server 0.00008.
gnomAD v4.1: 29 of 1,608,230 alleles (0.0018%); highest among the groups gnomAD compares: Non-Finnish European, 0.0021%; no homozygotes.

Submission:

CeGaT Center for Human Genetics Tuebingen
Classification: Likely benign. Last evaluated: 2024-07-01. Review status: criteria provided, single submitter. Criteria: CeGaT Center For Human Genetics Tuebingen Variant Classification Criteria Version 2. Collection method: clinical testing. Allele origin: germline. Affected: yes. Observed: 2 variant alleles.
Comment: NUP107: BP4, BP7

NM_020401.4(NUP107):c.2688G>A (p.Glu896=)

Gene: NUP107 (nucleoporin 107; plus strand). Cytogenetic location: 12q15.
Variant type: single nucleotide variant.
Coding change: c.2688G>A on transcript NM_020401.4 (MANE Select); coding-DNA position 2688, G replaced by A.
Protein change: p.Glu896=; no amino-acid change (glutamic acid 896 retained).
Molecular consequence: synonymous variant.
Genome position (GRCh38, 1-based): chr12:68,742,372, G>A. VCF-style: chr12-68742372-G-A. GRCh37 (hg19) VCF-style: chr12-69136152-G-A.
Other names: c.2601G>A, p.Glu867= (NM_001330192.2).
Identifiers: ClinVar variation 3250897 (VCV003250897.18), dbSNP rs369941559.